The following is an entry in ClinVar:

ClinVar aggregate classification (germline): Uncertain significance (1 of 4 stars; one submission).

Conditions:
Pityriasis rubra pilaris (PRP). Also called: Pityriasis rubra pilaris--familial type. Identifiers: Orphanet 2897, MedGen C0032027, MONDO:0100017, OMIM 173200, MONDO:0008251.
Psoriasis 2. Identifiers: MedGen C1864497, MONDO:0011269, OMIM 602723.

Submission:

Labcorp Genetics (formerly Invitae), Labcorp
Classification: Uncertain significance for Pityriasis rubra pilaris; Psoriasis 2. Last evaluated: 2022-06-06. Review status: criteria provided, single submitter. Criteria: Invitae Variant Classification Sherloc (09022015). Collection method: clinical testing. Allele origin: germline.
Comment: In summary, the available evidence is currently insufficient to determine the role of this variant in disease. Therefore, it has been classified as a Variant of Uncertain Significance. Experimental studies and prediction algorithms are not available or were not evaluated, and the functional significance of this variant is currently unknown. This variant has not been reported in the literature in individuals affected with CARD14-related conditions. This variant is not present in population databases (gnomAD no frequency). This variant, c.2929_2940del, results in the deletion of 4 amino acid(s) of the CARD14 protein (p.Asp977_Gly980del), but otherwise preserves the integrity of the reading frame.

NM_001366385.1(CARD14):c.2929_2940del (p.Asp977_Gly980del)

Genes: CARD14 (caspase recruitment domain family member 14; plus strand), SGSH (N-sulfoglucosamine sulfohydrolase; minus strand). Cytogenetic location: 17q25.3.
Variant type: Deletion.
Coding change: c.2929_2940del on transcript NM_001366385.1 (MANE Select); coding-DNA positions 2929 to 2940, 12 bases deleted (GACCTGGACGGC).
Protein change: p.Asp977_Gly980del.
Molecular consequence: inframe deletion. On other transcripts: non-coding transcript variant (1).
Genome position (GRCh38, 1-based): chr17:80,208,259-80,208,270, GACCTGGACGGC deleted; deleting any 12 consecutive bases within chr17:80,208,257-80,208,270 gives the same sequence; the c. name uses the placement nearest the transcript's 3' end. VCF-style (leftmost placement, unchanged base first): chr17-80208256-AGCGACCTGGACG-A. GRCh37 (hg19) VCF-style: chr17-78182055-AGCGACCTGGACG-A.
Other names: c.2929_2940del, p.Asp977_Gly980del (NM_024110.4).
Identifiers: ClinVar variation 2001220 (VCV002001220.4), dbSNP rs2510818960, ClinGen allele CA2580095309.